The following is an entry in ClinVar:

NM_000718.4(CACNA1B):c.2636C>A (p.Pro879His)

Gene: CACNA1B (calcium voltage-gated channel subunit alpha1 B; plus strand). Cytogenetic location: 9q34.3.
Variant type: single nucleotide variant.
Coding change: c.2636C>A on transcript NM_000718.4 (MANE Select); coding-DNA position 2636, C replaced by A.
Protein change: p.Pro879His; replaces proline 879 with histidine.
Molecular consequence: missense variant.
Genome position (GRCh38, 1-based): chr9:138,023,379, C>A. VCF-style: chr9-138023379-C-A. GRCh37 (hg19) VCF-style: chr9-140917831-C-A.
Other names: c.2636C>A, p.Pro879His (NM_001243812.2); short protein forms P879H.
Identifiers: ClinVar variation 1032454 (VCV001032454.4), dbSNP rs1036442743, ClinGen allele CA201830371.

ClinVar aggregate classification (germline): Uncertain significance. Review status: criteria provided, multiple submitters, no conflicts (2 of 4 stars). 3 submissions from 3 submitters: Uncertain significance (3). Last evaluated 2026-02-02.

Conditions:
Dystonia 23 (DYT23). Identifiers: Orphanet 420492, MedGen C3538999, MONDO:0013928, OMIM 614860.

Allele frequency attached by ClinVar (database versions not stated): gnomAD 0.00001; gnomAD exomes 0.00001; TOPMed 0.00002.
gnomAD v4.1: 4 of 1,384,074 alleles (0.00029%); highest among the groups gnomAD compares: Admixed American, 0.0072%; no homozygotes.

Submissions (3):

Labcorp Genetics (formerly Invitae), Labcorp
Classification: Uncertain significance. Last evaluated: 2026-02-02. Review status: criteria provided, single submitter. Criteria: Invitae Variant Classification Sherloc (09022015). Collection method: clinical testing. Allele origin: germline.
Comment: This sequence change replaces proline, which is neutral and non-polar, with histidine, which is basic and polar, at codon 879 of the CACNA1B protein (p.Pro879His). This variant is not present in population databases (gnomAD no frequency). This variant has not been reported in the literature in individuals affected with CACNA1B-related conditions. ClinVar contains an entry for this variant (Variation ID: 1032454). An algorithm developed to predict the effect of missense changes on protein structure and function (PolyPhen-2) suggests that this variant is likely to be tolerated. In summary, the available evidence is currently insufficient to determine the role of this variant in disease. Therefore, it has been classified as a Variant of Uncertain Significance.

Ambry Genetics
Classification: Uncertain significance. Last evaluated: 2022-10-04. Review status: criteria provided, single submitter. Criteria: Ambry Variant Classification Scheme 2023. Collection method: clinical testing. Allele origin: germline.

Baylor Genetics
Classification: Uncertain significance for Dystonia 23. Last evaluated: 2018-02-08. Review status: criteria provided, single submitter. Criteria: ACMG Guidelines, 2015. Collection method: clinical testing. Allele origin: unknown. Affected: yes.
Comment: This variant was determined to be of uncertain significance according to ACMG Guidelines, 2015 [PMID:25741868].